The following is an entry in ClinVar:

ClinVar aggregate classification (germline): Likely benign. Review status: criteria provided, single submitter (1 of 4 stars). 2 submissions from 2 submitters: Likely benign (1). 1 of the submissions does not count toward it. Last evaluated 2025-04-17.

Conditions:
LTBP2-related disorder. Also called: LTBP2-related disorders; LTBP2-related condition.

Submissions (2):

Labcorp Genetics (formerly Invitae), Labcorp
Classification: Likely benign. Last evaluated: 2025-04-17. Review status: criteria provided, single submitter. Criteria: Invitae Variant Classification Sherloc (09022015). Collection method: clinical testing. Allele origin: germline.

PreventionGenetics, part of Exact Sciences
Classification: Likely benign for LTBP2-related condition. Last evaluated: 2019-04-10. Review status: no assertion criteria provided. Collection method: clinical testing. Allele origin: germline. Not counted in ClinVar's aggregate classification.
Comment: This variant is classified as likely benign based on ACMG/AMP sequence variant interpretation guidelines (Richards et al. 2015 PMID: 25741868, with internal and published modifications).

NM_000428.3(LTBP2):c.2152+8_2152+10del

Gene: LTBP2 (latent transforming growth factor beta binding protein 2; minus strand). Cytogenetic location: 14q24.3.
Variant type: Microsatellite.
Coding change: c.2152+8_2152+10del on transcript NM_000428.3 (MANE Select); bases 8 to 10 of the intron after coding-DNA position 2152, 3 bases deleted (CCT; older notation c.2152+8_2152+10delCCT).
Molecular consequence: intron variant.
Genome position (GRCh38, 1-based): chr14:74,528,948-74,528,950, AGG deleted on the plus strand (CCT on the coding strand, the reverse complement: LTBP2 is on the minus strand); deleting any 3 consecutive bases within chr14:74,528,948-74,528,953 gives the same sequence; the c. name uses the placement nearest the transcript's 3' end. VCF-style (leftmost placement, unchanged base first): chr14-74528947-CAGG-C. GRCh37 (hg19) VCF-style: chr14-74995650-CAGG-C.
Other names: c.2152+8_2152+10delCCT (NM_000428.2).
Identifiers: ClinVar variation 1533595 (VCV001533595.10), dbSNP rs534909531, ClinGen allele CA7269638.
Genomic context (GRCh38, chr14:74,528,947, plus strand): 5'-CAGGCCTGGCAACATGGTCACTGGCCTTGAGCCCCTGGGCAGTGAAAGCTGGGATGGGAA[CAGG>C]AGGTTACCTGTGCCAGGCAGAGGGCATTTCTCACACTCGCTGCCCCATGCTTTGCCCACG-3'